The following is an entry in ClinVar:

NM_170606.3(KMT2C):c.5273G>A (p.Arg1758His)

Gene: KMT2C (lysine methyltransferase 2C; minus strand). Cytogenetic location: 7q36.1.
Variant type: single nucleotide variant.
Coding change: c.5273G>A on transcript NM_170606.3 (MANE Select); coding-DNA position 5273, G replaced by A.
Protein change: p.Arg1758His; replaces arginine 1758 with histidine.
Molecular consequence: missense variant.
Genome position (GRCh38, 1-based): chr7:152,182,587, C>T on the plus strand (G>A on the coding strand, the complement: KMT2C is on the minus strand). VCF-style: chr7-152182587-C-T. GRCh37 (hg19) VCF-style: chr7-151879672-C-T.
Other names: short protein forms R1758H.
Identifiers: ClinVar variation 4998941 (VCV004998941.1).
Genomic context (GRCh38, chr7:152,182,587, plus strand): 5'-TTTTTCACCTGTTCAAGTTTCTGTGTGGCTTCAATTTTAGCTTGCTGCTTACTTTTCTGA[C>T]GCATTTGCTATTAAAATAGAAAAGAAAAAGCAATCATATTTAGGTTAAGGAAGAAAACTA-3'
Protein context (NP_733751.2, residues 1748-1768): EQEWKFRQQM[Arg1758His]QKSKQQAKIE

ClinVar aggregate classification (germline): Uncertain significance (1 of 4 stars; one submission).

Conditions:
KMT2C-related disorder. Also called: KMT2C-related condition; KMT2C-related disorders.

gnomAD v4.1: 4 of 1,561,836 alleles (0.00026%); highest among the groups gnomAD compares: Non-Finnish European, 0.00035%; no homozygotes.

Submission:

PreventionGenetics, part of Exact Sciences
Classification: Uncertain significance for KMT2C-related condition. Last evaluated: 2025-02-15. Review status: criteria provided, single submitter. Criteria: ACMG Guidelines, 2015. Collection method: clinical testing. Allele origin: germline.
Comment: The KMT2C c.5273G>A variant is predicted to result in the amino acid substitution p.Arg1758His. To our knowledge, this variant has not been reported in the literature or in a large population database (gnomAD), indicating this variant is rare. At this time, the clinical significance of this variant is uncertain due to the absence of conclusive functional and genetic evidence.